The following is an entry in ClinVar:

NM_207122.2(EXT2):c.997G>A (p.Asp333Asn)

Gene: EXT2 (exostosin glycosyltransferase 2; plus strand). Cytogenetic location: 11p11.2.
Variant type: single nucleotide variant.
Coding change: c.997G>A on transcript NM_207122.2 (MANE Select); coding-DNA position 997, G replaced by A.
Protein change: p.Asp333Asn; replaces aspartic acid 333 with asparagine.
Molecular consequence: missense variant.
Genome position (GRCh38, 1-based): chr11:44,126,873, G>A. VCF-style: chr11-44126873-G-A. GRCh37 (hg19) VCF-style: chr11-44148423-G-A.
Other names: c.1096G>A, p.Asp366Asn (NM_000401.3); c.997G>A, p.Asp333Asn (NM_001178083.3, NM_001389628.1, NM_001389630.1); short protein forms D366N, D333N.
Identifiers: ClinVar variation 1360903 (VCV001360903.7), dbSNP rs1182974716, ClinGen allele CA380168941.

ClinVar aggregate classification (germline): Uncertain significance. Review status: criteria provided, multiple submitters, no conflicts (2 of 4 stars). 2 submissions from 2 submitters: Uncertain significance (2). Last evaluated 2025-05-19.

Conditions:
Exostoses, multiple, type 2 (EXT2). Also called: EXOSTOSES, MULTIPLE, TYPE II; Hereditary Multiple Osteochondromatosis, Type II. Identifiers: Orphanet 321, MedGen C1851413, MONDO:0007586, OMIM 133701.

Allele frequency attached by ClinVar (database versions not stated): gnomAD 0.00001; gnomAD exomes 0.00001.
gnomAD v4.1: 11 of 1,614,056 alleles (0.00068%); highest among the groups gnomAD compares: Admixed American, 0.0033%; no homozygotes.

Submissions (2):

Labcorp Genetics (formerly Invitae), Labcorp
Classification: Uncertain significance for Exostoses, multiple, type 2. Last evaluated: 2025-05-19. Review status: criteria provided, single submitter. Criteria: Invitae Variant Classification Sherloc (09022015). Collection method: clinical testing. Allele origin: germline.
Comment: This sequence change replaces aspartic acid, which is acidic and polar, with asparagine, which is neutral and polar, at codon 333 of the EXT2 protein (p.Asp333Asn). The frequency data for this variant in the population databases is considered unreliable, as metrics indicate poor data quality at this position in the gnomAD database. This variant has not been reported in the literature in individuals affected with EXT2-related conditions. ClinVar contains an entry for this variant (Variation ID: 1360903). Invitae Evidence Modeling of protein sequence and biophysical properties (such as structural, functional, and spatial information, amino acid conservation, physicochemical variation, residue mobility, and thermodynamic stability) has been performed for this missense variant. However, the output from this modeling did not meet the statistical confidence thresholds required to predict the impact of this variant on EXT2 protein function. In summary, the available evidence is currently insufficient to determine the role of this variant in disease. Therefore, it has been classified as a Variant of Uncertain Significance.

Baylor Genetics
Classification: Uncertain significance for Exostoses, multiple, type 2. Last evaluated: 2024-03-24. Review status: criteria provided, single submitter. Criteria: ACMG Guidelines, 2015. Collection method: clinical testing. Allele origin: unknown.